The following is an entry in ClinVar:

NM_002497.4(NEK2):c.1040G>C (p.Arg347Thr)

Gene: NEK2 (NIMA related kinase 2; minus strand). Cytogenetic location: 1q32.3.
Variant type: single nucleotide variant.
Coding change: c.1040G>C on transcript NM_002497.4 (MANE Select); coding-DNA position 1040, G replaced by C.
Protein change: p.Arg347Thr; replaces arginine 347 with threonine.
Molecular consequence: missense variant.
Genome position (GRCh38, 1-based): chr1:211,667,177, C>G on the plus strand (G>C on the coding strand, the complement: NEK2 is on the minus strand). VCF-style: chr1-211667177-C-G. GRCh37 (hg19) VCF-style: chr1-211840519-C-G.
Other names: c.1040G>C, p.Arg347Thr (NM_001204182.2, NM_001204183.2); short protein forms R347T.
Identifiers: ClinVar variation 1484042 (VCV001484042.6), dbSNP rs776872046, ClinGen allele CA1381523.

ClinVar aggregate classification (germline): Uncertain significance (1 of 4 stars; one submission).

Allele frequency attached by ClinVar (database versions not stated): gnomAD exomes 0.00002 and 0.00005; TOPMed 0.00005; gnomAD 0.00006.

Submission:

Labcorp Genetics (formerly Invitae), Labcorp
Classification: Uncertain significance. Last evaluated: 2025-11-27. Review status: criteria provided, single submitter. Criteria: Invitae Variant Classification Sherloc (09022015). Collection method: clinical testing. Allele origin: germline.
Comment: This sequence change replaces arginine, which is basic and polar, with threonine, which is neutral and polar, at codon 347 of the NEK2 protein (p.Arg347Thr). This variant is present in population databases (rs776872046, gnomAD 0.005%). This variant has not been reported in the literature in individuals affected with NEK2-related conditions. ClinVar contains an entry for this variant (Variation ID: 1484042). An algorithm developed to predict the effect of missense changes on protein structure and function (PolyPhen-2) suggests that this variant is likely to be tolerated. In summary, the available evidence is currently insufficient to determine the role of this variant in disease. Therefore, it has been classified as a Variant of Uncertain Significance.